The following is an entry in ClinVar:

NM_001735.3(C5):c.691A>G (p.Ile231Val)

Gene: C5 (complement C5; minus strand). Cytogenetic location: 9q33.2.
Variant type: single nucleotide variant.
Coding change: c.691A>G on transcript NM_001735.3 (MANE Select); coding-DNA position 691, A replaced by G.
Protein change: p.Ile231Val; replaces isoleucine 231 with valine.
Molecular consequence: missense variant.
Genome position (GRCh38, 1-based): chr9:121,030,464, T>C on the plus strand (A>G on the coding strand, the complement: C5 is on the minus strand). VCF-style: chr9-121030464-T-C. GRCh37 (hg19) VCF-style: chr9-123792742-T-C.
Other names: c.709A>G, p.Ile237Val (NM_001317163.2); c.691A>G, p.Ile231Val (NM_001317164.2); short protein forms I231V, I237V.
Identifiers: ClinVar variation 1018051 (VCV001018051.7), dbSNP rs753870842, ClinGen allele CA5218303.

ClinVar aggregate classification (germline): Uncertain significance. Review status: criteria provided, multiple submitters, no conflicts (2 of 4 stars). 2 submissions from 2 submitters: Uncertain significance (2). Last evaluated 2022-06-04.

Conditions:
Complement component 5 deficiency. Also called: C5 DEFICIENCY. Identifiers: MedGen C0343047, MONDO:0012295, OMIM 609536.
Eculizumab, poor response to. Identifiers: MedGen C3810402, OMIM 615749.

Allele frequency attached by ClinVar (database versions not stated): gnomAD exomes 0.00001 and 0.00002; TOPMed 0.00001; ExAC 0.00004.
gnomAD v4.1: 27 of 1,548,776 alleles (0.0017%); highest among the groups gnomAD compares: East Asian, 0.0072%; no homozygotes.

Submissions (2):

Labcorp Genetics (formerly Invitae), Labcorp
Classification: Uncertain significance. Last evaluated: 2022-06-04. Review status: criteria provided, single submitter. Criteria: Invitae Variant Classification Sherloc (09022015). Collection method: clinical testing. Allele origin: germline.
Comment: This sequence change replaces isoleucine, which is neutral and non-polar, with valine, which is neutral and non-polar, at codon 231 of the C5 protein (p.Ile231Val). The frequency data for this variant in the population databases is considered unreliable, as metrics indicate poor data quality at this position in the gnomAD database. This variant has not been reported in the literature in individuals affected with C5-related conditions. ClinVar contains an entry for this variant (Variation ID: 1018051). Algorithms developed to predict the effect of missense changes on protein structure and function output the following: SIFT: "Tolerated"; PolyPhen-2: "Benign"; Align-GVGD: "Class C0". The valine amino acid residue is found in multiple mammalian species, which suggests that this missense change does not adversely affect protein function. Algorithms developed to predict the effect of sequence changes on RNA splicing suggest that this variant may create or strengthen a splice site. In summary, the available evidence is currently insufficient to determine the role of this variant in disease. Therefore, it has been classified as a Variant of Uncertain Significance.

Fulgent Genetics
Classification: Uncertain significance for Complement component 5 deficiency; Eculizumab, poor response to. Last evaluated: 2021-12-13. Review status: criteria provided, single submitter. Criteria: ACMG Guidelines, 2015. Collection method: clinical testing. Allele origin: unknown.